The following is an entry in ClinVar:

NM_024079.5(ALG8):c.710G>A (p.Arg237His)

Gene: ALG8 (ALG8 alpha-1,3-glucosyltransferase; minus strand). Cytogenetic location: 11q14.1.
Variant type: single nucleotide variant.
Coding change: c.710G>A on transcript NM_024079.5 (MANE Select); coding-DNA position 710, G replaced by A.
Protein change: p.Arg237His; replaces arginine 237 with histidine.
Molecular consequence: missense variant.
Genome position (GRCh38, 1-based): chr11:78,113,953, C>T on the plus strand (G>A on the coding strand, the complement: ALG8 is on the minus strand). VCF-style: chr11-78113953-C-T. GRCh37 (hg19) VCF-style: chr11-77824999-C-T.
Other names: c.710G>A, p.Arg237His (NM_001007027.3); short protein forms R237H.
Identifiers: ClinVar variation 1315313 (VCV001315313.4), dbSNP rs763258107, ClinGen allele CA6203362.

ClinVar aggregate classification (germline): Uncertain significance. Review status: criteria provided, multiple submitters, no conflicts (2 of 4 stars). 2 submissions from 2 submitters: Uncertain significance (2). Last evaluated 2025-11-05.

Conditions:
ALG8 congenital disorder of glycosylation. Also called: CONGENITAL DISORDER OF GLYCOSYLATION, TYPE Ih; ALG8-CDG; CDG Ih. Identifiers: Orphanet 79325, MedGen C2931002, MONDO:0011969, OMIM 608104.
Polycystic liver disease 3 with or without kidney cysts. Identifiers: MedGen C4693472, MONDO:0054743, OMIM 617874.

Allele frequency attached by ClinVar (database versions not stated): gnomAD 0.00002 and 0.00003; TOPMed 0.00002; ExAC 0.00005.
gnomAD v4.1: 46 of 1,604,678 alleles (0.0029%); highest among the groups gnomAD compares: South Asian, 0.012%; no homozygotes.

Submissions (2):

GeneDx
Classification: Uncertain significance. Last evaluated: 2025-11-05. Review status: criteria provided, single submitter. Criteria: GeneDx Variant Classification Process June 2021. Collection method: clinical testing. Allele origin: germline. Affected: yes.
Comment: Not observed at significant frequency in large population cohorts (gnomAD); In silico analysis supports that this missense variant has a deleterious effect on protein structure/function; Has not been previously published as pathogenic or benign to our knowledge; In silico analysis is inconclusive as to whether the variant alters gene splicing. In the absence of RNA/functional studies, the actual effect of this sequence change is unknown.

Fulgent Genetics
Classification: Uncertain significance for ALG8 congenital disorder of glycosylation; Polycystic liver disease 3 with or without kidney cysts. Last evaluated: 2024-03-19. Review status: criteria provided, single submitter. Criteria: ACMG Guidelines, 2015. Collection method: clinical testing. Allele origin: germline.